The following is an entry in ClinVar:

NM_000257.4(MYH7):c.4133A>G (p.Asp1378Gly)

Gene: MYH7 (myosin heavy chain 7; minus strand). Cytogenetic location: 14q11.2.
Variant type: single nucleotide variant.
Coding change: c.4133A>G on transcript NM_000257.4 (MANE Select); coding-DNA position 4133, A replaced by G.
Protein change: p.Asp1378Gly; replaces aspartic acid 1378 with glycine.
Molecular consequence: missense variant.
Genome position (GRCh38, 1-based): chr14:23,418,246, T>C on the plus strand (A>G on the coding strand, the complement: MYH7 is on the minus strand). VCF-style: chr14-23418246-T-C. GRCh37 (hg19) VCF-style: chr14-23887455-T-C.
Other names: c.4133A>G, p.Asp1378Gly (NM_001407004.1); short protein forms D1378G.
Identifiers: ClinVar variation 2769580 (VCV002769580.3), dbSNP rs2502255789, ClinGen allele CA389040822.

ClinVar aggregate classification (germline): Uncertain significance (1 of 4 stars; one submission).

Conditions:
Hypertrophic cardiomyopathy. Also called: HYPERTROPHIC MYOCARDIOPATHY. Identifiers: Orphanet 217569, MedGen C0007194, MeSH D002312, MONDO:0005045, HP:0001639.

Submission:

Labcorp Genetics (formerly Invitae), Labcorp
Classification: Uncertain significance for Hypertrophic cardiomyopathy. Last evaluated: 2025-06-20. Review status: criteria provided, single submitter. Criteria: Invitae Variant Classification Sherloc (09022015). Collection method: clinical testing. Allele origin: germline.
Comment: This sequence change replaces aspartic acid, which is acidic and polar, with glycine, which is neutral and non-polar, at codon 1378 of the MYH7 protein (p.Asp1378Gly). This variant is not present in population databases (gnomAD no frequency). This missense change has been observed in individual(s) with hypertrophic cardiomyopathy (internal data). ClinVar contains an entry for this variant (Variation ID: 2769580). Invitae Evidence Modeling of protein sequence and biophysical properties (such as structural, functional, and spatial information, amino acid conservation, physicochemical variation, residue mobility, and thermodynamic stability) indicates that this missense variant is expected to disrupt MYH7 protein function with a positive predictive value of 95%. In summary, the available evidence is currently insufficient to determine the role of this variant in disease. Therefore, it has been classified as a Variant of Uncertain Significance.